The following is an entry in ClinVar:

NM_006618.5(KDM5B):c.2264dup (p.Tyr755Ter)

Gene: KDM5B (lysine demethylase 5B; minus strand). Cytogenetic location: 1q32.1.
Variant type: Duplication.
Coding change: c.2264dup on transcript NM_006618.5 (MANE Select); coding-DNA position 2264, one base duplicated (A; older notation c.2264dupA).
Protein change: p.Tyr755Ter; replaces tyrosine 755 with a stop codon.
Molecular consequence: nonsense.
Genome position (GRCh38, 1-based): chr1:202,745,917, T duplicated on the plus strand (A on the coding strand, the reverse complement: KDM5B is on the minus strand). VCF-style (leftmost placement, unchanged base first): chr1-202745916-G-GT. GRCh37 (hg19) VCF-style: chr1-202715044-G-GT.
Other names: c.2372dup, p.Tyr791Ter (NM_001314042.2); c.2129dup, p.Tyr710Ter (NM_001347591.2); c.2249dup, p.Tyr750Ter (NM_001399817.1); short protein forms Y750*, Y755*, Y710*, Y791*.
Identifiers: ClinVar variation 2199844 (VCV002199844.2), dbSNP rs772640819, ClinGen allele CA1334488.

ClinVar aggregate classification (germline): Pathogenic/Likely pathogenic. Review status: criteria provided, multiple submitters, no conflicts (2 of 4 stars). 2 submissions from 2 submitters: Pathogenic (1); Likely pathogenic (1). Last evaluated 2025-04-28.

Conditions:
Intellectual developmental disorder, autosomal recessive 65. Also called: Intellectual disability, autosomal recessive 65; MENTAL RETARDATION, AUTOSOMAL RECESSIVE 65. Identifiers: MedGen C4748219, MONDO:0020850, OMIM 618109.

Allele frequency attached by ClinVar (database versions not stated): gnomAD exomes below 0.00001; ExAC 0.00001.

Submissions (2):

Variantyx, Inc.
Classification: Likely pathogenic for Intellectual developmental disorder, autosomal recessive 65. Last evaluated: 2025-04-28. Review status: criteria provided, single submitter. Criteria: Variantyx Assertion Criteria 2022. Collection method: clinical testing. Allele origin: germline. Inheritance: Autosomal recessive inheritance.
Comment: This is a nonsense variant in the KDM5B gene (OMIM: 605393). Pathogenic variants in this gene have been associated with autosomal recessive intellectual developmental disorder 65. This variant introduces a premature termination codon in exon 17 out of 28 and it is expected to result in loss of function, which is a known disease mechanism for KDM5B in this disorder (PMID: 30217758) (PVS1). This variant has a 0.0030% maximum allele frequency in non-founder control populations (PM2_Supporting). Based on the current evidence, this variant is classified as likely pathogenic for autosomal recessive intellectual developmental disorder 65.

Labcorp Genetics (formerly Invitae), Labcorp
Classification: Pathogenic. Last evaluated: 2022-06-30. Review status: criteria provided, single submitter. Criteria: Invitae Variant Classification Sherloc (09022015). Collection method: clinical testing. Allele origin: germline.
Comment: This sequence change creates a premature translational stop signal (p.Tyr755*) in the KDM5B gene. It is expected to result in an absent or disrupted protein product. Loss-of-function variants in KDM5B are known to be pathogenic (PMID: 29276005, 30409806). This variant is present in population databases (rs772640819, gnomAD 0.0009%). This variant has not been reported in the literature in individuals affected with KDM5B-related conditions. For these reasons, this variant has been classified as Pathogenic.

Literature cited by the submitters: PubMed 30217758 (cited by Variantyx, Inc.); PubMed 29276005 (cited by Labcorp Genetics (formerly Invitae), Labcorp); PubMed 30409806 (cited by Labcorp Genetics (formerly Invitae), Labcorp).